The following is an entry in ClinVar:

NM_003072.5(SMARCA4):c.1472_1473insGCAAA (p.Ser492fs)

Gene: SMARCA4 (SWI/SNF related BAF chromatin remodeling complex subunit ATPase 4; plus strand). Cytogenetic location: 19p13.2.
Variant type: Insertion.
Coding change: c.1472_1473insGCAAA on transcript NM_003072.5 (MANE Select); coding-DNA positions 1472 to 1473, GCAAA inserted.
Protein change: p.Ser492fs; shifts the reading frame from serine 492.
Molecular consequence: frameshift variant. On other transcripts: non-coding transcript variant (1).
Genome position: GRCh38 VCF-style: chr19-10994880-G-GGCAAA. GRCh37 (hg19) VCF-style: chr19-11105556-G-GGCAAA.
Other names: c.1472_1473insGCAAA, p.Ser492fs (NM_001128844.3, NM_001128845.2, NM_001128846.2 and 5 more transcripts); short protein forms S492fs.
Identifiers: ClinVar variation 1426263 (VCV001426263.9), dbSNP rs2145938835, ClinGen allele CA2573155711.

ClinVar aggregate classification (germline): Pathogenic. Review status: criteria provided, multiple submitters, no conflicts (2 of 4 stars). 2 submissions from 2 submitters: Pathogenic (2). Last evaluated 2026-01-12.

Conditions:
Hereditary cancer-predisposing syndrome. Also called: Neoplastic Syndromes, Hereditary; Tumor predisposition; Hereditary Cancer Syndrome; Hereditary neoplastic syndrome. Identifiers: Orphanet 140162, MedGen C0027672, MeSH D009386, MONDO:0015356.
Rhabdoid tumor predisposition syndrome 2 (RTPS2). Identifiers: Orphanet 231108, Orphanet 69077, MedGen C2750074, MONDO:0013224, OMIM 613325.

Submissions (2):

Ambry Genetics
Classification: Pathogenic for Hereditary cancer-predisposing syndrome. Last evaluated: 2026-01-12. Review status: criteria provided, single submitter. Criteria: Ambry Variant Classification Scheme 2023. Collection method: clinical testing. Allele origin: germline.
Comment: The c.1472_1473insGCAAA pathogenic mutation, located in coding exon 8 of the SMARCA4 gene, results from an insertion of 5 nucleotides at position 1472, causing a translational frameshift with a predicted alternate stop codon (p.S492Qfs*11). This variant is considered to be rare based on population cohorts in the Genome Aggregation Database (gnomAD). This alteration is expected to result in loss of function by premature protein truncation or nonsense-mediated mRNA decay. Loss-of-function variants in SMARCA4 are known to cause rhabdoid tumor predisposition syndrome including small cell carcinoma of the ovary-hypercalcemic type (SCCOHT); however, such associations with neurodevelopmental disorders are exceedingly rare (Kosho T et al. Am J Med Genet C Semin Med Genet. 2014 Sep;166C(3):262-75; Jelinic P et al. Nat Genet. 2014 May;46(5):424-6). Based on the supporting evidence, this alteration is pathogenic for rhabdoid tumor predisposition syndrome; however, the association of this alteration with Coffin-Siris syndrome is unlikely.

Labcorp Genetics (formerly Invitae), Labcorp
Classification: Pathogenic for Rhabdoid tumor predisposition syndrome 2. Last evaluated: 2021-07-26. Review status: criteria provided, single submitter. Criteria: Invitae Variant Classification Sherloc (09022015). Collection method: clinical testing. Allele origin: germline.
Comment: This variant has not been reported in the literature in individuals affected with SMARCA4-related conditions. For these reasons, this variant has been classified as Pathogenic. This variant is not present in population databases (ExAC no frequency). This sequence change creates a premature translational stop signal (p.Ser492Glnfs*11) in the SMARCA4 gene. It is expected to result in an absent or disrupted protein product. Loss-of-function variants in SMARCA4 are known to be pathogenic (PMID: 24658001, 24658002).

Literature cited by the submitters: PubMed 24658001 (cited by Labcorp Genetics (formerly Invitae), Labcorp); PubMed 24658002 (cited by Labcorp Genetics (formerly Invitae), Labcorp).